The following is an entry in ClinVar:

ClinVar aggregate classification (germline): Likely benign (1 of 4 stars; one submission).

Allele frequency attached by ClinVar (database versions not stated): 1000 Genomes Project 30x 0.00021; 1000 Genomes Project 0.00026; TOPMed 0.00057; gnomAD 0.00073; gnomAD exomes 0.00088.
gnomAD v4.1: 265 of 324,655 alleles (0.082%); highest among the groups gnomAD compares: Non-Finnish European, 0.13%; no homozygotes.

Submission:

CeGaT Center for Human Genetics Tuebingen
Classification: Likely benign. Last evaluated: 2023-01-01. Review status: criteria provided, single submitter. Criteria: CeGaT Center For Human Genetics Tuebingen Variant Classification Criteria Version 2. Collection method: clinical testing. Allele origin: germline. Affected: yes. Observed: 1 variant allele.
Comment: AR: BS2

NM_000044.6(AR):c.1769-5189A>T

Gene: AR (androgen receptor; plus strand). Cytogenetic location: Xq12.
Variant type: single nucleotide variant.
Coding change: c.1769-5189A>T on transcript NM_000044.6 (MANE Select); 5189 bases into the intron before coding-DNA position 1769, A replaced by T.
Molecular consequence: intron variant.
Genome position (GRCh38, 1-based): chrX:67,680,821, A>T. VCF-style: chrX-67680821-A-T. GRCh37 (hg19) VCF-style: chrX-66900663-A-T.
Other names: c.173-5189A>T (NM_001011645.3); c.1769-5189A>T (NM_001348061.1, NM_001348063.1); c.1617-5120A>T (NM_001348064.1).
Identifiers: ClinVar variation 2660774 (VCV002660774.24), dbSNP rs190397033, ClinGen allele CA330768416.